The following is an entry in ClinVar:

NM_000532.5(PCCB):c.335G>A (p.Gly112Asp)

Gene: PCCB (propionyl-CoA carboxylase subunit beta; plus strand). Cytogenetic location: 3q22.3.
Variant type: single nucleotide variant.
Coding change: c.335G>A on transcript NM_000532.5 (MANE Select); coding-DNA position 335, G replaced by A.
Protein change: p.Gly112Asp; replaces glycine 112 with aspartic acid.
Molecular consequence: missense variant.
Genome position (GRCh38, 1-based): chr3:136,256,586, G>A. VCF-style: chr3-136256586-G-A. GRCh37 (hg19) VCF-style: chr3-135975428-G-A.
Other names: c.335G>A, p.Gly112Asp (NM_001178014.2); short protein forms G112D.
Identifiers: ClinVar variation 38883 (VCV000038883.7), dbSNP rs202247818, ClinGen allele CA343144.

ClinVar aggregate classification (germline): Pathogenic. Review status: criteria provided, multiple submitters, no conflicts (2 of 4 stars). 3 submissions from 3 submitters: Pathogenic (2). 1 of the submissions does not count toward it. Last evaluated 2026-01-08.

Conditions:
Propionic acidemia (PROP). Also called: KETOTIC HYPERGLYCINEMIA; GLYCINEMIA, KETOTIC; HYPERGLYCINEMIA WITH KETOACIDOSIS AND LEUKOPENIA. Identifiers: Orphanet 35, MedGen C0268579, MONDO:0011628, OMIM 606054, HP:0003571.

Submissions (3):

Labcorp Genetics (formerly Invitae), Labcorp
Classification: Pathogenic for Propionic acidemia. Last evaluated: 2026-01-08. Review status: criteria provided, single submitter. Criteria: Invitae Variant Classification Sherloc (09022015). Collection method: clinical testing. Allele origin: germline.
Comment: This sequence change replaces glycine, which is neutral and non-polar, with aspartic acid, which is acidic and polar, at codon 112 of the PCCB protein (p.Gly112Asp). This variant is not present in population databases (gnomAD no frequency). This missense change has been observed in individual(s) with propionic acidemia (PMID: 10910839, 29679984). ClinVar contains an entry for this variant (Variation ID: 38883). Invitae Evidence Modeling of protein sequence and biophysical properties (such as structural, functional, and spatial information, amino acid conservation, physicochemical variation, residue mobility, and thermodynamic stability) indicates that this missense variant is expected to disrupt PCCB protein function with a positive predictive value of 95%. Studies have shown that this missense change alters PCCB gene expression (PMID: 12757933). This variant disrupts the p.Gly112 amino acid residue in PCCB. Other variant(s) that disrupt this residue have been determined to be pathogenic (internal data). This suggests that this residue is clinically significant, and that variants that disrupt this residue are likely to be disease-causing. For these reasons, this variant has been classified as Pathogenic.

Natera, Inc.
Classification: Pathogenic for Propionic acidemia. Last evaluated: 2024-10-15. Review status: criteria provided, single submitter. Criteria: Natera Variant Classification Schema (03/2026). Collection method: clinical testing. Allele origin: germline.
Comment: The c.335G>A variant in PCCB is a missense variant predicted to cause substitution of glycine to aspartic acid at amino acid 112. This variant is rare in the general population with a frequency below the threshold expected for the associated phenotype(s). This variant has been observed in one or more individuals affected with the associated recessive disease, as either homozygous or compound heterozygous with a second variant (PMID: 38200289, 29679984, 27776753, 12559849, 10910839, 12559849). This variant has been identified in one or more affected individuals with a phenotype highly consistent with the associated gene (PMID: 29679984, 27776753, 10910839). Functional studies show that this variant may disrupt protein function (PMID: 12757933). Computational prediction algorithms indicate this variant is likely to affect gene or protein function. Given the available evidence, this variant is classified as Pathogenic.

GeneReviews
No classification provided. Condition: Propionic acidemia. Review status: no classification provided. Collection method: literature only. Allele origin: unknown. Not counted in ClinVar's aggregate classification.

Literature cited by the submitters: PubMed 10910839 (cited by Labcorp Genetics (formerly Invitae), Labcorp and Natera, Inc.); PubMed 29679984 (cited by Labcorp Genetics (formerly Invitae), Labcorp and Natera, Inc.); PubMed 12757933 (cited by Labcorp Genetics (formerly Invitae), Labcorp and Natera, Inc.); PubMed 38200289 (cited by Natera, Inc.); PubMed 27776753 (cited by Natera, Inc.); PubMed 12559849 (cited by Natera, Inc.); PubMed 22593918 (cited by GeneReviews); NCBI Bookshelf NBK92946 (cited by GeneReviews).